The following is an entry in ClinVar:

ClinVar aggregate classification (germline): Uncertain significance (1 of 4 stars; one submission).

Conditions:
MEGF10-related myopathy (CMYO10A). Also called: Congenital myopathy 10A, severe variant. Identifiers: Orphanet 439212, MedGen C3280679, MONDO:0013731, OMIM 614399.

Submission:

Labcorp Genetics (formerly Invitae), Labcorp
Classification: Uncertain significance for MEGF10-related myopathy. Last evaluated: 2022-08-23. Review status: criteria provided, single submitter. Criteria: Invitae Variant Classification Sherloc (09022015). Collection method: clinical testing. Allele origin: germline.
Comment: This sequence change replaces tryptophan, which is neutral and slightly polar, with arginine, which is basic and polar, at codon 563 of the MEGF10 protein (p.Trp563Arg). In summary, the available evidence is currently insufficient to determine the role of this variant in disease. Therefore, it has been classified as a Variant of Uncertain Significance. Algorithms developed to predict the effect of missense changes on protein structure and function (SIFT, PolyPhen-2, Align-GVGD) all suggest that this variant is likely to be disruptive. ClinVar contains an entry for this variant (Variation ID: 654009). This variant has not been reported in the literature in individuals affected with MEGF10-related conditions. This variant is not present in population databases (gnomAD no frequency).

NM_001256545.2(MEGF10):c.1687T>C (p.Trp563Arg)

Gene: MEGF10 (multiple EGF like domains 10; plus strand). Cytogenetic location: 5q23.2.
Variant type: single nucleotide variant.
Coding change: c.1687T>C on transcript NM_001256545.2 (MANE Select); coding-DNA position 1687, T replaced by C.
Protein change: p.Trp563Arg; replaces tryptophan 563 with arginine.
Molecular consequence: missense variant.
Genome position (GRCh38, 1-based): chr5:127,422,766, T>C. VCF-style: chr5-127422766-T-C. GRCh37 (hg19) VCF-style: chr5-126758458-T-C.
Other names: c.1687T>C, p.Trp563Arg (NM_001308119.2, NM_001308121.2, NM_032446.3); short protein forms W563R.
Identifiers: ClinVar variation 654009 (VCV000654009.9), dbSNP rs1580851905, ClinGen allele CA360730700.
Genomic context (GRCh38, chr5:127,422,766, plus strand): 5'-GACTGCAGCCACGCAGATGGCTGCCACCCTACCACGGGCCATTGCCGCTGCCTCCCCGGA[T>C]GGTCAGGTGAGAGCCAAGGACCGCTAATTGAAAGGTGAAACCCGCCAATTTAACACCTAG-3'
Protein context (NP_001243474.1, residues 553-573): TTGHCRCLPG[Trp563Arg]SGVHCDSVCA